The following is an entry in ClinVar:

NM_002579.3(PALM):c.152G>A (p.Arg51Gln)

Gene: PALM (paralemmin; plus strand). Cytogenetic location: 19p13.3.
Variant type: single nucleotide variant.
Coding change: c.152G>A on transcript NM_002579.3 (MANE Select); coding-DNA position 152, G replaced by A.
Protein change: p.Arg51Gln; replaces arginine 51 with glutamine.
Molecular consequence: missense variant.
Genome position (GRCh38, 1-based): chr19:727,577, G>A. VCF-style: chr19-727577-G-A. GRCh37 (hg19) VCF-style: chr19-727577-G-A.
Other names: c.152G>A, p.Arg51Gln (NM_001040134.2); short protein forms R51Q.
Identifiers: ClinVar variation 1925886 (VCV001925886.5), dbSNP rs866669931, ClinGen allele CA402878863.

ClinVar aggregate classification (germline): Uncertain significance (1 of 4 stars; one submission).

Allele frequency attached by ClinVar (database versions not stated): gnomAD exomes below 0.00001; TOPMed below 0.00001; gnomAD 0.00001.
gnomAD v4.1: 3 of 1,588,532 alleles (0.00019%); highest among the groups gnomAD compares: Non-Finnish European, 0.00026%; no homozygotes.

Submission:

Labcorp Genetics (formerly Invitae), Labcorp
Classification: Uncertain significance. Last evaluated: 2021-12-26. Review status: criteria provided, single submitter. Criteria: Invitae Variant Classification Sherloc (09022015). Collection method: clinical testing. Allele origin: germline.
Comment: This sequence change replaces arginine, which is basic and polar, with glutamine, which is neutral and polar, at codon 51 of the PALM protein (p.Arg51Gln). This variant is present in population databases (no rsID available, gnomAD 0.001%). This variant has not been reported in the literature in individuals affected with PALM-related conditions. Algorithms developed to predict the effect of missense changes on protein structure and function are either unavailable or do not agree on the potential impact of this missense change (SIFT: "Tolerated"; PolyPhen-2: "Probably Damaging"; Align-GVGD: "Class C0"). In summary, the available evidence is currently insufficient to determine the role of this variant in disease. Therefore, it has been classified as a Variant of Uncertain Significance.